The following is an entry in ClinVar:

ClinVar aggregate classification (germline): Uncertain significance. Review status: criteria provided, multiple submitters, no conflicts (2 of 4 stars). 2 submissions from 2 submitters: Uncertain significance (2). Last evaluated 2025-03-23.

Conditions:
Inborn genetic diseases. Identifiers: MedGen C0950123, MeSH D030342.
Brachyolmia-amelogenesis imperfecta syndrome. Also called: Tooth agenesis, selective, 6; Dental anomalies and short stature; PLATYSPONDYLY WITH AMELOGENESIS IMPERFECTA. Identifiers: Orphanet 2899, MedGen C1832594, MONDO:0011018, OMIM 601216. Disease mechanism: loss of function.

Allele frequency attached by ClinVar (database versions not stated): TOPMed 0.00001; ExAC 0.00014.

Submissions (2):

Labcorp Genetics (formerly Invitae), Labcorp
Classification: Uncertain significance for Brachyolmia-amelogenesis imperfecta syndrome. Last evaluated: 2025-03-23. Review status: criteria provided, single submitter. Criteria: Invitae Variant Classification Sherloc (09022015). Collection method: clinical testing. Allele origin: germline.
Comment: This sequence change replaces glycine, which is neutral and non-polar, with alanine, which is neutral and non-polar, at codon 43 of the LTBP3 protein (p.Gly43Ala). This variant is present in population databases (rs759902304, gnomAD 0.02%). This variant has not been reported in the literature in individuals affected with LTBP3-related conditions. ClinVar contains an entry for this variant (Variation ID: 1482239). Experimental studies and prediction algorithms are not available or were not evaluated, and the functional significance of this variant is currently unknown. In summary, the available evidence is currently insufficient to determine the role of this variant in disease. Therefore, it has been classified as a Variant of Uncertain Significance.

Ambry Genetics
Classification: Uncertain significance for Inborn genetic diseases. Last evaluated: 2024-06-21. Review status: criteria provided, single submitter. Criteria: Ambry Variant Classification Scheme 2023. Collection method: clinical testing. Allele origin: germline.
Comment: The p.G43A variant (also known as c.128G>C), located in coding exon 1 of the LTBP3 gene, results from a G to C substitution at nucleotide position 128. The glycine at codon 43 is replaced by alanine, an amino acid with similar properties. This amino acid position is conserved. In addition, this alteration is predicted to be tolerated by in silico analysis. Based on the available evidence, the clinical significance of this variant remains unclear.

NM_001130144.3(LTBP3):c.128G>C (p.Gly43Ala)

Gene: LTBP3 (latent transforming growth factor beta binding protein 3; minus strand). Cytogenetic location: 11q13.1.
Variant type: single nucleotide variant.
Coding change: c.128G>C on transcript NM_001130144.3 (MANE Select); coding-DNA position 128, G replaced by C.
Protein change: p.Gly43Ala; replaces glycine 43 with alanine.
Molecular consequence: missense variant. On other transcripts: 5 prime UTR variant (1).
Genome position (GRCh38, 1-based): chr11:65,557,832, C>G on the plus strand (G>C on the coding strand, the complement: LTBP3 is on the minus strand). VCF-style: chr11-65557832-C-G. GRCh37 (hg19) VCF-style: chr11-65325303-C-G.
Other names: c.128G>C (NM_001130144.2); c.-220G>C (NM_001164266.1); c.128G>C, p.Gly43Ala (NM_021070.4); short protein forms G43A.
Identifiers: ClinVar variation 1482239 (VCV001482239.7), dbSNP rs759902304, ClinGen allele CA6101293.
Genomic context (GRCh38, chr11:65,557,832, plus strand): 5'-TTGAAGCGCTCGCGGGCCAGCGCCCCGCCCCCGCCTGCGCCCCGCTCGCCGGCCGGCCCC[C>G]CCTCGACCCTGCCGCCCAGGCCCAGCAGCAGCAGCAGCAGCAGCAGCAGCAGCGCCAGCA-3'
Protein context (NP_001123616.1, residues 33-53): LLLGLGGRVE[Gly43Ala]GPAGERGAGG